The following is an entry in ClinVar:

ClinVar aggregate classification (germline): Uncertain significance (1 of 4 stars; one submission).

Allele frequency attached by ClinVar (database versions not stated): gnomAD exomes below 0.00001.
gnomAD v4.1: 1 of 1,612,984 alleles (0.000062%); highest among the groups gnomAD compares: Non-Finnish European, 0.000085%; no homozygotes.

Submission:

Labcorp Genetics (formerly Invitae), Labcorp
Classification: Uncertain significance. Last evaluated: 2023-12-15. Review status: criteria provided, single submitter. Criteria: Invitae Variant Classification Sherloc (09022015). Collection method: clinical testing. Allele origin: germline.
Comment: This sequence change replaces glycine, which is neutral and non-polar, with glutamic acid, which is acidic and polar, at codon 223 of the CACNA2D4 protein (p.Gly223Glu). This variant is not present in population databases (gnomAD no frequency). This variant has not been reported in the literature in individuals affected with CACNA2D4-related conditions. An algorithm developed to predict the effect of missense changes on protein structure and function (PolyPhen-2) suggests that this variant is likely to be disruptive. In summary, the available evidence is currently insufficient to determine the role of this variant in disease. Therefore, it has been classified as a Variant of Uncertain Significance.

NM_172364.5(CACNA2D4):c.668G>A (p.Gly223Glu)

Gene: CACNA2D4 (calcium voltage-gated channel auxiliary subunit alpha2delta 4; minus strand). Cytogenetic location: 12p13.33.
Variant type: single nucleotide variant.
Coding change: c.668G>A on transcript NM_172364.5 (MANE Select); coding-DNA position 668, G replaced by A.
Protein change: p.Gly223Glu; replaces glycine 223 with glutamic acid.
Molecular consequence: missense variant.
Genome position (GRCh38, 1-based): chr12:1,907,553, C>T on the plus strand (G>A on the coding strand, the complement: CACNA2D4 is on the minus strand). VCF-style: chr12-1907553-C-T. GRCh37 (hg19) VCF-style: chr12-2016719-C-T.
Other names: short protein forms G223E.
Identifiers: ClinVar variation 2701780 (VCV002701780.3), dbSNP rs2497326439, ClinGen allele CA383363971.